The following is an entry in ClinVar:

NM_004523.4(KIF11):c.2979A>G (p.Gln993=)

Gene: KIF11 (kinesin family member 11; plus strand). Cytogenetic location: 10q23.33.
Variant type: single nucleotide variant.
Coding change: c.2979A>G on transcript NM_004523.4 (MANE Select); coding-DNA position 2979, A replaced by G.
Protein change: p.Gln993=; no amino-acid change (glutamine 993 retained).
Molecular consequence: synonymous variant.
Genome position (GRCh38, 1-based): chr10:92,650,457, A>G. VCF-style: chr10-92650457-A-G. GRCh37 (hg19) VCF-style: chr10-94410214-A-G.
Identifiers: ClinVar variation 1138321 (VCV001138321.23), dbSNP rs769486277, ClinGen allele CA5604511.

ClinVar aggregate classification (germline): Likely benign. Review status: criteria provided, multiple submitters, no conflicts (2 of 4 stars). 2 submissions from 2 submitters: Likely benign (2). Last evaluated 2024-09-01.

Allele frequency attached by ClinVar (database versions not stated): ExAC 0.00001; gnomAD exomes 0.00001 and 0.00003; gnomAD 0.00003 and 0.00004; TOPMed 0.00004.
gnomAD v4.1: 52 of 1,613,832 alleles (0.0032%); highest among the groups gnomAD compares: Non-Finnish European, 0.0041%; no homozygotes.

Submissions (2):

CeGaT Center for Human Genetics Tuebingen
Classification: Likely benign. Last evaluated: 2024-09-01. Review status: criteria provided, single submitter. Criteria: CeGaT Center For Human Genetics Tuebingen Variant Classification Criteria Version 2. Collection method: clinical testing. Allele origin: germline. Affected: yes. Observed: 1 variant allele.
Comment: KIF11: BP4, BP7

Labcorp Genetics (formerly Invitae), Labcorp
Classification: Likely benign. Last evaluated: 2023-06-17. Review status: criteria provided, single submitter. Criteria: Invitae Variant Classification Sherloc (09022015). Collection method: clinical testing. Allele origin: germline.